The following is an entry in ClinVar:

ClinVar aggregate classification (germline): Pathogenic (1 of 4 stars; one submission).

Conditions:
Cohen syndrome (COH1). Also called: PEPPER SYNDROME; Cutis verticis gyrata, retinitis pigmentosa, and sensorineural deafness. Identifiers: Orphanet 193, MedGen C0265223, MONDO:0008999, OMIM 216550.

Submission:

Labcorp Genetics (formerly Invitae), Labcorp
Classification: Pathogenic for Cohen syndrome. Last evaluated: 2018-11-01. Review status: criteria provided, single submitter. Criteria: Invitae Variant Classification Sherloc (09022015). Collection method: clinical testing. Allele origin: germline.
Comment: This variant is an out-of-frame deletion of the genomic region encompassing exons 31-33 of the VPS13B gene. This is expected to create a premature translational stop signal and result in an absent or disrupted protein product. This variant has not been reported in the literature in individuals with VPS13B-related disease. Loss-of-function variants in VPS13B are known to be pathogenic (PMID: 15141358, 16648375, 20461111). For these reasons, this variant has been classified as Pathogenic.

NC_000008.11:g.(?_99556430)_(99577653_?)del

Gene: VPS13B (vacuolar protein sorting 13 homolog B; plus strand). Cytogenetic location: 8q22.2.
Variant type: Deletion.
Identifiers: ClinVar variation 640450 (VCV000640450.1).